The following is an entry in ClinVar:

ClinVar aggregate classification (germline): Uncertain significance. Review status: criteria provided, multiple submitters, no conflicts (2 of 4 stars). 2 submissions from 2 submitters: Uncertain significance (2). Last evaluated 2022-09-15.

Conditions:
Epidermolysis bullosa simplex, Ogna type (EBS5A). Also called: Pidermolysis bullosa simplex 5A, Ogna type; EPIDERMOLYSIS BULLOSA SIMPLEX 5A, OGNA TYPE. Identifiers: Orphanet 79401, MedGen C0432317, MONDO:0007555, OMIM 131950.
Autosomal recessive limb-girdle muscular dystrophy type 2Q (LGMDR17). Also called: MUSCULAR DYSTROPHY, LIMB-GIRDLE, AUTOSOMAL RECESSIVE 17. Identifiers: Orphanet 254361, MedGen C3150989, MONDO:0013390, OMIM 613723.
Epidermolysis bullosa simplex with nail dystrophy (EBS5D). Identifiers: MedGen C4225309, MONDO:0014661, OMIM 616487.
Epidermolysis bullosa simplex 5B, with muscular dystrophy (EBS5B). Also called: Epidermolysis bullosa simplex with muscular dystrophy; EPIDERMOLYSIS BULLOSA SIMPLEX AND LIMB-GIRDLE MUSCULAR DYSTROPHY. Identifiers: Orphanet 257, MedGen C2931072, MONDO:0009181, OMIM 226670.
Epidermolysis bullosa simplex 5C, with pyloric atresia (EBS5C). Also called: PLEC-Related Epidermolysis Bullosa with Pyloric Atresia; Epidermolysis bullosa simplex with pyloric atresia; PLEC1-Related Epidermolysis Bullosa with Pyloric Atresia. Identifiers: Orphanet 158684, MedGen C2677349, MONDO:0012807, OMIM 612138.

Allele frequency attached by ClinVar (database versions not stated): gnomAD exomes below 0.00001 and 0.00001; TOPMed below 0.00001; ExAC 0.00002; ESP Exome Variant Server 0.00008.
gnomAD v4.1: 6 of 1,613,910 alleles (0.00037%); highest among the groups gnomAD compares: Admixed American, 0.0017%; no homozygotes.

Submissions (2):

Labcorp Genetics (formerly Invitae), Labcorp
Classification: Uncertain significance for Autosomal recessive limb-girdle muscular dystrophy type 2Q; Epidermolysis bullosa simplex, Ogna type; Epidermolysis bullosa simplex with nail dystrophy; Epidermolysis bullosa simplex 5C, with pyloric atresia; Epidermolysis bullosa simplex 5B, with muscular dystrophy. Last evaluated: 2022-09-15. Review status: criteria provided, single submitter. Criteria: Invitae Variant Classification Sherloc (09022015). Collection method: clinical testing. Allele origin: germline.
Comment: This variant is present in population databases (rs371832085, gnomAD 0.003%). This variant has not been reported in the literature in individuals affected with PLEC-related conditions. ClinVar contains an entry for this variant (Variation ID: 645111). Advanced modeling of protein sequence and biophysical properties (such as structural, functional, and spatial information, amino acid conservation, physicochemical variation, residue mobility, and thermodynamic stability) performed at Invitae indicates that this missense variant is not expected to disrupt PLEC protein function. In summary, the available evidence is currently insufficient to determine the role of this variant in disease. Therefore, it has been classified as a Variant of Uncertain Significance. This sequence change replaces aspartic acid, which is acidic and polar, with asparagine, which is neutral and polar, at codon 4113 of the PLEC protein (p.Asp4113Asn).

Revvity Omics, Revvity
Classification: Uncertain significance. Last evaluated: 2019-07-18. Review status: criteria provided, single submitter. Criteria: ACMG Guidelines, 2015. Collection method: clinical testing. Allele origin: germline.

NM_201384.3(PLEC):c.12256G>A (p.Asp4086Asn)

Gene: PLEC (plectin; minus strand). Cytogenetic location: 8q24.3.
Variant type: single nucleotide variant.
Coding change: c.12256G>A on transcript NM_201384.3 (MANE Select); coding-DNA position 12256, G replaced by A.
Protein change: p.Asp4086Asn; replaces aspartic acid 4086 with asparagine.
Molecular consequence: missense variant.
Genome position (GRCh38, 1-based): chr8:143,917,565, C>T on the plus strand (G>A on the coding strand, the complement: PLEC is on the minus strand). VCF-style: chr8-143917565-C-T. GRCh37 (hg19) VCF-style: chr8-144991733-C-T.
Other names: c.12337G>A (NM_000445.3); c.12337G>A, p.Asp4113Asn (NM_000445.5); c.12214G>A, p.Asp4072Asn (NM_201378.4); c.12190G>A, p.Asp4064Asn (NM_201379.3); c.12667G>A, p.Asp4223Asn (NM_201380.4); c.12160G>A, p.Asp4054Asn (NM_201381.3); c.12256G>A, p.Asp4086Asn (NM_201382.4); c.12268G>A, p.Asp4090Asn (NM_201383.3); short protein forms D4072N, D4090N, D4054N, D4086N, D4113N, D4223N, D4064N.
Identifiers: ClinVar variation 645111 (VCV000645111.11), dbSNP rs371832085, ClinGen allele CA4924132.